The following is an entry in ClinVar:

NC_000023.11:g.67718479_67734424del

Gene: AR (androgen receptor; plus strand). Cytogenetic location: Xq12.
Variant type: Deletion.
Identifiers: ClinVar variation 4974968 (VCV004974968.1).

ClinVar aggregate classification (germline): Pathogenic (1 of 4 stars; one submission).

Conditions:
Complete androgen insensitivity syndrome. Also called: Complete Androgen Insensitivity Syndrome (CAIS). Identifiers: Orphanet 99429, MedGen C0936016, MONDO:0021023.

Submission:

Laboratorio de Investigações Médicas - Lim42, University of Sao Paulo
Classification: Pathogenic for Complete androgen insensitivity syndrome. Review status: criteria provided, single submitter. Criteria: ACMG/ClinGen CNV Guidelines, 2019. Collection method: research. Allele origin: de novo. Inheritance: X-linked recessive inheritance. Observed: 1 variant allele, 1 hemizygote.
Comment: This hemizygous deletion removes exons 6–8 and the 3'UTR of the AR gene and is predicted to cause loss of androgen receptor function. The deletion was confirmed by breakpoint-spanning PCR and Sanger sequencing, which precisely defined the breakpoint junction and identified 8-bp microhomology. Loss of AR function is an established disease mechanism for androgen insensitivity syndrome. This variant was therefore classified as pathogenic, scoring 1A + 2D-4 + 3A + 5A criteria according to the ClinGen CNV Interpretation Scoring System.